The following is an entry in ClinVar:

ClinVar aggregate classification (germline): Uncertain significance (1 of 4 stars; one submission).

Conditions:
Hereditary cancer-predisposing syndrome. Also called: Neoplastic Syndromes, Hereditary; Tumor predisposition; Hereditary neoplastic syndrome; Hereditary Cancer Syndrome. Identifiers: Orphanet 140162, MedGen C0027672, MeSH D009386, MONDO:0015356.

Submission:

Ambry Genetics
Classification: Uncertain significance for Hereditary cancer-predisposing syndrome. Last evaluated: 2025-05-08. Review status: criteria provided, single submitter. Criteria: Ambry Variant Classification Scheme 2023. Collection method: clinical testing. Allele origin: germline.
Comment: The p.P51H variant (also known as c.152C>A), located in coding exon 1 of the MET gene, results from a C to A substitution at nucleotide position 152. The proline at codon 51 is replaced by histidine, an amino acid with similar properties. This amino acid position is not well conserved in available vertebrate species. In addition, this alteration is predicted to be tolerated by in silico analysis. Based on the available evidence, the clinical significance of this variant remains unclear.

NM_000245.4(MET):c.152C>A (p.Pro51His)

Gene: MET (MET proto-oncogene, receptor tyrosine kinase; plus strand). Cytogenetic location: 7q31.2.
Variant type: single nucleotide variant.
Coding change: c.152C>A on transcript NM_000245.4 (MANE Select); coding-DNA position 152, C replaced by A.
Protein change: p.Pro51His; replaces proline 51 with histidine.
Molecular consequence: missense variant. On other transcripts: intron variant (1).
Genome position (GRCh38, 1-based): chr7:116,699,236, C>A. VCF-style: chr7-116699236-C-A. GRCh37 (hg19) VCF-style: chr7-116339290-C-A.
Other names: c.152C>A, p.Pro51His (NM_001127500.3, NM_001324401.3); c.-91+26659C>A (NM_001324402.2); short protein forms P51H.
Identifiers: ClinVar variation 4053958 (VCV004053958.1).